The following is an entry in ClinVar:

NM_000090.4(COL3A1):c.1537G>A (p.Gly513Ser)

Gene: COL3A1 (collagen type III alpha 1 chain; plus strand). Cytogenetic location: 2q32.2.
Variant type: single nucleotide variant.
Coding change: c.1537G>A on transcript NM_000090.4 (MANE Select); coding-DNA position 1537, G replaced by A.
Protein change: p.Gly513Ser; replaces glycine 513 with serine.
Molecular consequence: missense variant.
Genome position (GRCh38, 1-based): chr2:188,995,719, G>A. VCF-style: chr2-188995719-G-A. GRCh37 (hg19) VCF-style: chr2-189860445-G-A.
Other names: short protein forms G513S.
Identifiers: ClinVar variation 3634093 (VCV003634093.2).

ClinVar aggregate classification (germline): Likely pathogenic (1 of 4 stars; one submission).

Conditions:
Ehlers-Danlos syndrome, type 4 (EDSVASC). Also called: Ehlers-Danlos syndrome vascular type; Ehlers Danlos syndrome, ecchymotic type; Ehlers Danlos syndrome, arterial type; Ehlers Danlos syndrome, Sack-Barabas type; Ehlers-Danlos Syndrome Type IV. Identifiers: Orphanet 286, MedGen C0268338, MONDO:0017314, OMIM 130050.

Submission:

Labcorp Genetics (formerly Invitae), Labcorp
Classification: Likely pathogenic for Ehlers-Danlos syndrome, type 4. Last evaluated: 2024-07-22. Review status: criteria provided, single submitter. Criteria: Invitae Variant Classification Sherloc (09022015). Collection method: clinical testing. Allele origin: germline.
Comment: This sequence change replaces glycine, which is neutral and non-polar, with serine, which is neutral and polar, at codon 513 of the COL3A1 protein (p.Gly513Ser). This variant is not present in population databases (gnomAD no frequency). This variant has not been reported in the literature in individuals affected with COL3A1-related conditions. Advanced modeling of protein sequence and biophysical properties (such as structural, functional, and spatial information, amino acid conservation, physicochemical variation, residue mobility, and thermodynamic stability) performed at Invitae indicates that this missense variant is expected to disrupt COL3A1 protein function with a positive predictive value of 95%. This variant disrupts the triple helix domain of COL3A1. Glycine residues within the Gly-Xaa-Yaa repeats of the triple helix domain are required for the structure and stability of fibrillar collagens (PMID: 7695699, 8218237, 19344236). In COL3A1, variants that affect these glycine residues are significantly enriched in individuals with disease (PMID: 24922459, 25758994) compared to the general population (ExAC). In summary, the currently available evidence indicates that the variant is pathogenic, but additional data are needed to prove that conclusively. Therefore, this variant has been classified as Likely Pathogenic.

Literature cited by the submitters: PubMed 7695699; PubMed 8218237; PubMed 19344236; PubMed 24922459; PubMed 25758994.